The following is an entry in ClinVar:

NM_001379286.1(ZNF423):c.3350C>T (p.Pro1117Leu)

Gene: ZNF423 (zinc finger protein 423; minus strand). Cytogenetic location: 16q12.1.
Variant type: single nucleotide variant.
Coding change: c.3350C>T on transcript NM_001379286.1 (MANE Select); coding-DNA position 3350, C replaced by T.
Protein change: p.Pro1117Leu; replaces proline 1117 with leucine.
Molecular consequence: missense variant.
Genome position (GRCh38, 1-based): chr16:49,635,826, G>A on the plus strand (C>T on the coding strand, the complement: ZNF423 is on the minus strand). VCF-style: chr16-49635826-G-A. GRCh37 (hg19) VCF-style: chr16-49669737-G-A.
Other names: c.3146C>T, p.Pro1049Leu (NM_001271620.2); c.2975C>T, p.Pro992Leu (NM_001330533.2); c.3326C>T, p.Pro1109Leu (NM_015069.5); short protein forms P1049L, P1109L, P1117L, P992L.
Identifiers: ClinVar variation 1058131 (VCV001058131.5), dbSNP rs775736157, ClinGen allele CA8046327.

ClinVar aggregate classification (germline): Uncertain significance (1 of 4 stars; one submission).

Conditions:
Nephronophthisis 14 (NPHP14). Identifiers: Orphanet 2318, MedGen C3539071, MONDO:0013916, OMIM 614844.

Allele frequency attached by ClinVar (database versions not stated): ExAC 0.00004; gnomAD 0.00004 and 0.00005; gnomAD exomes 0.00004; TOPMed 0.00006.
gnomAD v4.1: 40 of 1,607,522 alleles (0.0025%); highest among the groups gnomAD compares: Admixed American, 0.014%; 1 homozygote.

Submission:

Labcorp Genetics (formerly Invitae), Labcorp
Classification: Uncertain significance for Nephronophthisis 14. Last evaluated: 2023-10-03. Review status: criteria provided, single submitter. Criteria: Invitae Variant Classification Sherloc (09022015). Collection method: clinical testing. Allele origin: germline.
Comment: This sequence change replaces proline, which is neutral and non-polar, with leucine, which is neutral and non-polar, at codon 1109 of the ZNF423 protein (p.Pro1109Leu). This variant is present in population databases (rs775736157, gnomAD 0.02%). This variant has not been reported in the literature in individuals affected with ZNF423-related conditions. ClinVar contains an entry for this variant (Variation ID: 1058131). Advanced modeling of protein sequence and biophysical properties (such as structural, functional, and spatial information, amino acid conservation, physicochemical variation, residue mobility, and thermodynamic stability) performed at Invitae indicates that this missense variant is not expected to disrupt ZNF423 protein function. In summary, the available evidence is currently insufficient to determine the role of this variant in disease. Therefore, it has been classified as a Variant of Uncertain Significance.